The following is an entry in ClinVar:

ClinVar aggregate classification (germline): Pathogenic. Review status: criteria provided, multiple submitters, no conflicts (2 of 4 stars). 3 submissions from 3 submitters: Pathogenic (2). 1 of the submissions does not count toward it. Last evaluated 2026-02-01.

Conditions:
Frontotemporal dementia (FTD1). Also called: FRONTOTEMPORAL DEMENTIA WITH PARKINSONISM; FRONTOTEMPORAL LOBE DEMENTIA; MULTIPLE SYSTEM TAUOPATHY WITH PRESENILE DEMENTIA; WILHELMSEN-LYNCH DISEASE; Frontotemporal lobe dementia (FLDEM); Dementia, frontotemporal, with or without parkinsonism. Identifiers: Orphanet 282, MedGen C0338451, MONDO:0017276, OMIM 600274, HP:0002145.

Submissions (3):

CeGaT Center for Human Genetics Tuebingen
Classification: Pathogenic. Last evaluated: 2026-02-01. Review status: criteria provided, single submitter. Criteria: CeGaT Center For Human Genetics Tuebingen Variant Classification Criteria Version 2. Collection method: clinical testing. Allele origin: germline. Affected: yes. Observed: 3 variant alleles.
Comment: MAPT: PS4, PVS1:Strong, PM2

Labcorp Genetics (formerly Invitae), Labcorp
Classification: Pathogenic for Frontotemporal dementia. Last evaluated: 2022-07-29. Review status: criteria provided, single submitter. Criteria: Invitae Variant Classification Sherloc (09022015). Collection method: clinical testing. Allele origin: germline.
Comment: This variant is not present in population databases (gnomAD no frequency). This sequence change falls in intron 8 of the MAPT gene. It does not directly change the encoded amino acid sequence of the MAPT protein. This variant has been observed in individuals with frontotemporal dementia (PMID: 16503405, 34274155; Invitae). It has also been observed to segregate with disease in related individuals. For these reasons, this variant has been classified as Pathogenic. Other variant(s) that result in increase of 4R-tau to 3R-tau ratio have been determined to be pathogenic (PMID: 9641683, 26297556). This suggests that this variant may also be clinically significant and likely to be disease-causing. Studies have shown that this variant is associated with altered splicing resulting in increase of 4R-tau to 3R-tau ratio (PMID: 16503405, 34274155). ClinVar contains an entry for this variant (Variation ID: 98212).

VIB  Department of Molecular Genetics, University of Antwerp
No classification provided. Review status: no classification provided. Collection method: not provided. Allele origin: not provided. Not counted in ClinVar's aggregate classification.

Literature cited by the submitters: PubMed 16503405 (cited by Labcorp Genetics (formerly Invitae), Labcorp); PubMed 34274155 (cited by Labcorp Genetics (formerly Invitae), Labcorp); PubMed 9641683 (cited by Labcorp Genetics (formerly Invitae), Labcorp); PubMed 26297556 (cited by Labcorp Genetics (formerly Invitae), Labcorp).

NM_001377265.1(MAPT):c.1999-10G>T

Gene: MAPT (microtubule associated protein tau). Cytogenetic location: 17q21.31.
Variant type: single nucleotide variant.
Coding change: c.1999-10G>T on transcript NM_001377265.1 (MANE Select); 10 bases into the intron before coding-DNA position 1999, G replaced by T.
Molecular consequence: intron variant.
Genome position (GRCh38, 1-based): chr17:46,010,300, G>T. VCF-style: chr17-46010300-G-T. GRCh37 (hg19) VCF-style: chr17-44087666-G-T.
Other names: c.649-3943G>T (NM_001377268.1, NM_016841.5); c.1828-10G>T (NM_001123066.4); c.1774-10G>T (NM_016835.5); c.823-10G>T (NM_005910.6); c.823-3943G>T (NM_001203252.2); c.1801-3943G>T (NM_001377266.1); c.736-10G>T (NM_001123067.4); c.736-3943G>T (NM_001203251.2, NM_001377267.1); and 1 more.
Identifiers: ClinVar variation 98212 (VCV000098212.34), dbSNP rs63749974, ClinGen allele CA225423.